The following is an entry in ClinVar:

ClinVar aggregate classification (germline): Uncertain significance (1 of 4 stars; one submission).

Conditions:
Skeletal overgrowth-craniofacial dysmorphism-hyperelastic skin-white matter lesions syndrome. Also called: SKELETAL OVERGROWTH WITH FACIAL DYSMORPHISM, HYPERELASTIC SKIN, WHITE MATTER LESIONS, AND NEUROLOGIC DETERIORATION; Kosaki overgrowth syndrome. Identifiers: Orphanet 477831, MedGen C4225270, MONDO:0014704, OMIM 616592.
Acroosteolysis-keloid-like lesions-premature aging syndrome. Also called: Premature aging syndrome, Penttinen type; Prematurely aged appearance, delayed bone maturation, acro-osteolysis, and brachydactyly; Progeroid syndrome, Penttinen type. Identifiers: Orphanet 363665, MedGen C1866182, MONDO:0011150, OMIM 601812.
Infantile myofibromatosis (IMF). Also called: Congenital generalized fibromatosis. Identifiers: Orphanet 2591, MedGen C0432284, MONDO:0016824.
Basal ganglia calcification, idiopathic, 4 (PFBC4). Also called: Familial Idiopathic Basal Ganglia Calcification 4; PRIMARY FAMILIAL BRAIN CALCIFICATION 4, AUTOSOMAL DOMINANT. Identifiers: Orphanet 1980, MedGen C3554321, MONDO:0014004, OMIM 615007.

gnomAD v4.1: 48 of 1,599,556 alleles (0.003%); highest among the groups gnomAD compares: Non-Finnish European, 0.0036%; no homozygotes.

Submission:

Labcorp Genetics (formerly Invitae), Labcorp
Classification: Uncertain significance for Basal ganglia calcification, idiopathic, 4; Skeletal overgrowth-craniofacial dysmorphism-hyperelastic skin-white matter lesions syndrome; Infantile myofibromatosis; Acroosteolysis-keloid-like lesions-premature aging syndrome. Last evaluated: 2025-11-08. Review status: criteria provided, single submitter. Criteria: Invitae Variant Classification Sherloc (09022015). Collection method: clinical testing. Allele origin: germline.
Comment: This sequence change replaces leucine, which is neutral and non-polar, with phenylalanine, which is neutral and non-polar, at codon 552 of the PDGFRB protein (p.Leu552Phe). This variant is present in population databases (rs576771944, gnomAD 0.006%). This variant has not been reported in the literature in individuals affected with PDGFRB-related conditions. Invitae Evidence Modeling of protein sequence and biophysical properties (such as structural, functional, and spatial information, amino acid conservation, physicochemical variation, residue mobility, and thermodynamic stability) has been performed for this missense variant. However, the output from this modeling did not meet the statistical confidence thresholds required to predict the impact of this variant on PDGFRB protein function. In summary, the available evidence is currently insufficient to determine the role of this variant in disease. Therefore, it has been classified as a Variant of Uncertain Significance.

NM_002609.4(PDGFRB):c.1654C>T (p.Leu552Phe)

Gene: PDGFRB (platelet derived growth factor receptor beta; minus strand). Cytogenetic location: 5q32.
Variant type: single nucleotide variant.
Coding change: c.1654C>T on transcript NM_002609.4 (MANE Select); coding-DNA position 1654, C replaced by T.
Protein change: p.Leu552Phe; replaces leucine 552 with phenylalanine.
Molecular consequence: missense variant.
Genome position (GRCh38, 1-based): chr5:150,126,540, G>A on the plus strand (C>T on the coding strand, the complement: PDGFRB is on the minus strand). VCF-style: chr5-150126540-G-A. GRCh37 (hg19) VCF-style: chr5-149506103-G-A.
Other names: c.1462C>T, p.Leu488Phe (NM_001355016.2); c.1171C>T, p.Leu391Phe (NM_001355017.2); short protein forms L391F, L552F, L488F.
Identifiers: ClinVar variation 4782383 (VCV004782383.1).